The following is an entry in ClinVar:

NM_004360.5(CDH1):c.688-53C>G

Gene: CDH1 (cadherin 1; plus strand). Cytogenetic location: 16q22.1.
Variant type: single nucleotide variant.
Coding change: c.688-53C>G on transcript NM_004360.5 (MANE Select); 53 bases into the intron before coding-DNA position 688, C replaced by G.
Molecular consequence: intron variant.
Genome position (GRCh38, 1-based): chr16:68,810,144, C>G. VCF-style: chr16-68810144-C-G. GRCh37 (hg19) VCF-style: chr16-68844047-C-G.
Other names: c.-928-53C>G (NM_001317185.2); c.-1132-53C>G (NM_001317186.2); c.688-53C>G (NM_001317184.2).
Identifiers: ClinVar variation 2502924 (VCV002502924.1), dbSNP rs1597892226, ClinGen allele CA978521865.

ClinVar aggregate classification (germline): Uncertain significance (1 of 4 stars; one submission).

Conditions:
Hereditary diffuse gastric adenocarcinoma (HDGC). Also called: DIFFUSE GASTRIC AND LOBULAR BREAST CANCER SYNDROME. Identifiers: Orphanet 26106, MedGen C1708349, MONDO:0007648, OMIM 137215.

Allele frequency attached by ClinVar (database versions not stated): TOPMed below 0.00001; gnomAD 0.00001.
gnomAD v4.1: 2 of 1,608,606 alleles (0.00012%); highest among the groups gnomAD compares: African/African-American, 0.0013%; no homozygotes.

Submission:

European Reference Network on Genetic Tumour Risk Syndromes (ERN-GENTURIS), i3s - Instituto de Investigação e Inovação em Saúde, University of Porto
Classification: Uncertain significance for Hereditary diffuse gastric adenocarcinoma. Last evaluated: 2022-08-01. Review status: criteria provided, single submitter. Criteria: Lee et al. (Hum Mutat. 2018). Collection method: clinical testing. Allele origin: germline. Inheritance: Autosomal dominant inheritance. Affected: no. Study: ERN GENTURIS.
Comment: PM2 (PMID: 30311375)

Literature cited by the submitters: PubMed 36436516.